The following is an entry in ClinVar:

ClinVar aggregate classification (germline): Benign (0 of 4 stars; one submission).

Conditions:
CSMD1-related disorder. Also called: CSMD1-related condition.

Allele frequency attached by ClinVar (database versions not stated): ExAC 0.00166; ESP Exome Variant Server 0.00327; 1000 Genomes Project 0.00599; 1000 Genomes Project 30x 0.00625.
gnomAD v4.1: 910 of 1,579,408 alleles (0.058%); highest among the groups gnomAD compares: African/African-American, 1.1%; 9 homozygotes.

Submission:

PreventionGenetics, part of Exact Sciences
Classification: Benign for CSMD1-related condition. Last evaluated: 2019-03-08. Review status: no assertion criteria provided. Collection method: clinical testing. Allele origin: germline.
Comment: This variant is classified as benign based on ACMG/AMP sequence variant interpretation guidelines (Richards et al. 2015 PMID: 25741868, with internal and published modifications).

NM_033225.6(CSMD1):c.4672+8G>A

Gene: CSMD1 (CUB and Sushi multiple domains 1; minus strand). Cytogenetic location: 8p23.2.
Variant type: single nucleotide variant.
Coding change: c.4672+8G>A on transcript NM_033225.6 (MANE Select); 8 bases into the intron after coding-DNA position 4672, G replaced by A.
Molecular consequence: intron variant.
Genome position (GRCh38, 1-based): chr8:3,219,247, C>T on the plus strand (G>A on the coding strand, the complement: CSMD1 is on the minus strand). VCF-style: chr8-3219247-C-T. GRCh37 (hg19) VCF-style: chr8-3076769-C-T.
Identifiers: ClinVar variation 3042763 (VCV003042763.2), dbSNP rs75542243, ClinGen allele CA4607241.
Genomic context (GRCh38, chr8:3,219,247, plus strand): 5'-GCAATGCCTACAATAAAAACAGTCCTGATACAAATTAATTCCCACTCAAATTCAGGCAAT[C>T]GCAATACCTTTAAATTCAATGGCGAACCCTGAAAGGCCCACGGAGGCATCACTCCGAAAT-3'